The following is an entry in ClinVar:

ClinVar aggregate classification (germline): Uncertain significance. Review status: criteria provided, multiple submitters, no conflicts (2 of 4 stars). 2 submissions from 2 submitters: Uncertain significance (2). Last evaluated 2024-03-25.

Conditions:
Cranioectodermal dysplasia 1 (CED1). Also called: LEVIN SYNDROME I. Identifiers: Orphanet 1515, MedGen C0432235, MONDO:0021093, OMIM 218330.

Allele frequency attached by ClinVar (database versions not stated): gnomAD exomes below 0.00001; TOPMed below 0.00001; ExAC 0.00001.
gnomAD v4.1: 2 of 1,612,590 alleles (0.00012%); highest among the groups gnomAD compares: Non-Finnish European, 0.00017%; no homozygotes.

Submissions (2):

Fulgent Genetics
Classification: Uncertain significance for Cranioectodermal dysplasia 1. Last evaluated: 2024-03-25. Review status: criteria provided, single submitter. Criteria: ACMG Guidelines, 2015. Collection method: clinical testing. Allele origin: germline.

Labcorp Genetics (formerly Invitae), Labcorp
Classification: Uncertain significance for Cranioectodermal dysplasia 1. Last evaluated: 2022-03-18. Review status: criteria provided, single submitter. Criteria: Invitae Variant Classification Sherloc (09022015). Collection method: clinical testing. Allele origin: germline.
Comment: This sequence change replaces lysine, which is basic and polar, with glutamic acid, which is acidic and polar, at codon 122 of the IFT122 protein (p.Lys122Glu). This variant is present in population databases (rs772348994, gnomAD 0.002%). This variant has not been reported in the literature in individuals affected with IFT122-related conditions. Algorithms developed to predict the effect of missense changes on protein structure and function are either unavailable or do not agree on the potential impact of this missense change (SIFT: "Deleterious"; PolyPhen-2: "Benign"; Align-GVGD: "Class C0"). Algorithms developed to predict the effect of sequence changes on RNA splicing suggest that this variant may create or strengthen a splice site. In summary, the available evidence is currently insufficient to determine the role of this variant in disease. Therefore, it has been classified as a Variant of Uncertain Significance.

NM_052989.3(IFT122):c.273-283A>G

Gene: IFT122 (intraflagellar transport 122; plus strand). Cytogenetic location: 3q21.3.
Variant type: single nucleotide variant.
Coding change: c.273-283A>G on transcript NM_052989.3 (MANE Select); 283 bases into the intron before coding-DNA position 273, A replaced by G.
Molecular consequence: intron variant. On other transcripts: missense variant (2).
Genome position (GRCh38, 1-based): chr3:129,460,945, A>G. VCF-style: chr3-129460945-A-G. GRCh37 (hg19) VCF-style: chr3-129179788-A-G.
Other names: c.364A>G, p.Lys122Glu (NM_001280541.2, NM_052985.4); c.-178-283A>G (NM_001280545.2, NM_001280546.2); c.273-283A>G (NM_018262.4); c.194-2615A>G (NM_052990.3); short protein forms K122E.
Identifiers: ClinVar variation 2018240 (VCV002018240.5), dbSNP rs772348994, ClinGen allele CA2605799.